The following is an entry in ClinVar:

NM_032043.3(BRIP1):c.2048T>G (p.Val683Gly)

Gene: BRIP1 (BRCA1 interacting DNA helicase 1; minus strand). Cytogenetic location: 17q23.2.
Variant type: single nucleotide variant.
Coding change: c.2048T>G on transcript NM_032043.3 (MANE Select); coding-DNA position 2048, T replaced by G.
Protein change: p.Val683Gly; replaces valine 683 with glycine.
Molecular consequence: missense variant.
Genome position (GRCh38, 1-based): chr17:61,776,450, A>C on the plus strand (T>G on the coding strand, the complement: BRIP1 is on the minus strand). VCF-style: chr17-61776450-A-C. GRCh37 (hg19) VCF-style: chr17-59853811-A-C.
Other names: short protein forms V683G.
Identifiers: ClinVar variation 483159 (VCV000483159.15), dbSNP rs1294492499, ClinGen allele CA400478178.

ClinVar aggregate classification (germline): Uncertain significance. Review status: criteria provided, multiple submitters, no conflicts (2 of 4 stars). 2 submissions from 2 submitters: Uncertain significance (2). Last evaluated 2025-07-13.

Conditions:
Hereditary cancer-predisposing syndrome. Also called: Hereditary neoplastic syndrome; Neoplastic Syndromes, Hereditary; Tumor predisposition; Hereditary Cancer Syndrome. Identifiers: Orphanet 140162, MedGen C0027672, MeSH D009386, MONDO:0015356.
Fanconi anemia complementation group J. Also called: BRIP1-Related Fanconi Anemia. Identifiers: Orphanet 84, MedGen C1836860, MONDO:0012187, OMIM 609054.
Familial cancer of breast. Also called: BREAST CANCER, FAMILIAL; Hereditary breast cancer; hereditary breast carcinoma. Identifiers: Orphanet 227535, MedGen C0346153, MONDO:0016419, OMIM 114480. Disease mechanism: loss of function.

Allele frequency attached by ClinVar (database versions not stated): gnomAD exomes below 0.00001 and 0.00001.
gnomAD v4.1: 3 of 1,614,194 alleles (0.00019%); highest among the groups gnomAD compares: East Asian, 0.0067%; no homozygotes.

Submissions (2):

Labcorp Genetics (formerly Invitae), Labcorp
Classification: Uncertain significance for Familial cancer of breast; Fanconi anemia complementation group J. Last evaluated: 2025-07-13. Review status: criteria provided, single submitter. Criteria: Invitae Variant Classification Sherloc (09022015). Collection method: clinical testing. Allele origin: germline.
Comment: This sequence change replaces valine, which is neutral and non-polar, with glycine, which is neutral and non-polar, at codon 683 of the BRIP1 protein (p.Val683Gly). This variant is present in population databases (no rsID available, gnomAD 0.01%). This variant has not been reported in the literature in individuals affected with BRIP1-related conditions. ClinVar contains an entry for this variant (Variation ID: 483159). Invitae Evidence Modeling of protein sequence and biophysical properties (such as structural, functional, and spatial information, amino acid conservation, physicochemical variation, residue mobility, and thermodynamic stability) indicates that this missense variant is expected to disrupt BRIP1 protein function with a positive predictive value of 95%. In summary, the available evidence is currently insufficient to determine the role of this variant in disease. Therefore, it has been classified as a Variant of Uncertain Significance.

Ambry Genetics
Classification: Uncertain significance for Hereditary cancer-predisposing syndrome. Last evaluated: 2024-06-16. Review status: criteria provided, single submitter. Criteria: Ambry Variant Classification Scheme 2023. Collection method: clinical testing. Allele origin: germline.
Comment: The p.V683G variant (also known as c.2048T>G), located in coding exon 13 of the BRIP1 gene, results from a T to G substitution at nucleotide position 2048. The valine at codon 683 is replaced by glycine, an amino acid with dissimilar properties. This amino acid position is highly conserved in available vertebrate species. In addition, this alteration is predicted to be deleterious by in silico analysis. Since supporting evidence is limited at this time, the clinical significance of this alteration remains unclear.